The following is an entry in ClinVar:

NM_020821.3(VPS13C):c.5171C>T (p.Thr1724Ile)

Gene: VPS13C (vacuolar protein sorting 13 homolog C; minus strand). Cytogenetic location: 15q22.2.
Variant type: single nucleotide variant.
Coding change: c.5171C>T on transcript NM_020821.3 (MANE Select); coding-DNA position 5171, C replaced by T.
Protein change: p.Thr1724Ile; replaces threonine 1724 with isoleucine.
Molecular consequence: missense variant.
Genome position (GRCh38, 1-based): chr15:61,942,045, G>A on the plus strand (C>T on the coding strand, the complement: VPS13C is on the minus strand). VCF-style: chr15-61942045-G-A. GRCh37 (hg19) VCF-style: chr15-62234244-G-A.
Other names: c.5171C>T, p.Thr1724Ile (NM_001018088.3); c.5042C>T, p.Thr1681Ile (NM_017684.5, NM_018080.4); c.5171C>T (NM_020821.2); short protein forms T1681I, T1724I.
Identifiers: ClinVar variation 1415344 (VCV001415344.4), dbSNP rs189475659, ClinGen allele CA7595883.

ClinVar aggregate classification (germline): Uncertain significance. Review status: criteria provided, multiple submitters, no conflicts (2 of 4 stars). 2 submissions from 2 submitters: Uncertain significance (2). Last evaluated 2021-11-20.

Conditions:
Inborn genetic diseases. Identifiers: MedGen C0950123, MeSH D030342.

Allele frequency attached by ClinVar (database versions not stated): gnomAD exomes 0.00002 and 0.00005; ExAC 0.00004; 1000 Genomes Project 0.00020; gnomAD 0.00023 and 0.00024; 1000 Genomes Project 30x 0.00031; TOPMed 0.00066.
gnomAD v4.1: 76 of 1,583,246 alleles (0.0048%); highest among the groups gnomAD compares: Admixed American, 0.09%; no homozygotes.

Submissions (2):

Labcorp Genetics (formerly Invitae), Labcorp
Classification: Uncertain significance. Last evaluated: 2021-11-20. Review status: criteria provided, single submitter. Criteria: Invitae Variant Classification Sherloc (09022015). Collection method: clinical testing. Allele origin: germline.
Comment: This sequence change replaces threonine, which is neutral and polar, with isoleucine, which is neutral and non-polar, at codon 1724 of the VPS13C protein (p.Thr1724Ile). This variant is present in population databases (rs189475659, gnomAD 0.02%). This variant has not been reported in the literature in individuals affected with VPS13C-related conditions. Algorithms developed to predict the effect of missense changes on protein structure and function (SIFT, PolyPhen-2, Align-GVGD) all suggest that this variant is likely to be tolerated. In summary, the available evidence is currently insufficient to determine the role of this variant in disease. Therefore, it has been classified as a Variant of Uncertain Significance.

Ambry Genetics
Classification: Uncertain significance for Inborn genetic diseases. Last evaluated: 2021-09-01. Review status: criteria provided, single submitter. Criteria: Ambry Variant Classification Scheme 2023. Collection method: clinical testing. Allele origin: germline.